The following is an entry in ClinVar:

NM_012282.4(KCNE5):c.7T>A (p.Cys3Ser)

Gene: KCNE5 (potassium voltage-gated channel subfamily E regulatory subunit 5; minus strand). Cytogenetic location: Xq23.
Variant type: single nucleotide variant.
Coding change: c.7T>A on transcript NM_012282.4 (MANE Select); coding-DNA position 7, T replaced by A.
Protein change: p.Cys3Ser; replaces cysteine 3 with serine.
Molecular consequence: missense variant.
Genome position (GRCh38, 1-based): chrX:109,625,014, A>T on the plus strand (T>A on the coding strand, the complement: KCNE5 is on the minus strand). VCF-style: chrX-109625014-A-T. GRCh37 (hg19) VCF-style: chrX-108868243-A-T.
Other names: short protein forms C3S.
Identifiers: ClinVar variation 3679226 (VCV003679226.2).

ClinVar aggregate classification (germline): Uncertain significance (1 of 4 stars; one submission).

Conditions:
Brugada syndrome. Also called: Sudden unexpected nocturnal death syndrome; Sudden Unexplained Death Syndrome; Sudden Unexplained Nocturnal Death Syndrome (SUNDS); Sudden unexplained nocturnal death syndrome. Identifiers: Orphanet 130, MedGen C1142166, MONDO:0015263.

Submission:

Labcorp Genetics (formerly Invitae), Labcorp
Classification: Uncertain significance for Brugada syndrome. Last evaluated: 2024-05-21. Review status: criteria provided, single submitter. Criteria: Invitae Variant Classification Sherloc (09022015). Collection method: clinical testing. Allele origin: germline.
Comment: This sequence change replaces cysteine, which is neutral and slightly polar, with serine, which is neutral and polar, at codon 3 of the KCNE5 protein (p.Cys3Ser). This variant is not present in population databases (gnomAD no frequency). This variant has not been reported in the literature in individuals affected with KCNE5-related conditions. An algorithm developed to predict the effect of missense changes on protein structure and function (PolyPhen-2) suggests that this variant is likely to be disruptive. In summary, the available evidence is currently insufficient to determine the role of this variant in disease. Therefore, it has been classified as a Variant of Uncertain Significance.